The following is an entry in ClinVar:

ClinVar aggregate classification (germline): Likely pathogenic. Review status: criteria provided, single submitter (1 of 4 stars). 2 submissions from 2 submitters: Likely pathogenic (1). 1 of the submissions does not count toward it. Last evaluated 2021-12-02.

Conditions:
Charcot-Marie-Tooth Neuropathy X. Identifiers: MedGen CN118851.
Charcot-Marie-Tooth disease. Also called: Charcot-Marie-Tooth Hereditary Neuropathy; Charcot-Marie-Tooth Neuropathy. Identifiers: Orphanet 166, MedGen C0007959, MONDO:0015626.

Submissions (2):

Labcorp Genetics (formerly Invitae), Labcorp
Classification: Likely pathogenic for Charcot-Marie-Tooth Neuropathy X. Last evaluated: 2021-12-02. Review status: criteria provided, single submitter. Criteria: Invitae Variant Classification Sherloc (09022015). Collection method: clinical testing. Allele origin: germline.
Comment: In summary, the currently available evidence indicates that the variant is pathogenic, but additional data are needed to prove that conclusively. Therefore, this variant has been classified as Likely Pathogenic. This variant disrupts the p.Val38 amino acid residue in GJB1. Other variant(s) that disrupt this residue have been determined to be pathogenic (PMID: 7833935, 9354338, 12460545; Invitae). This suggests that this residue is clinically significant, and that variants that disrupt this residue are likely to be disease-causing. Algorithms developed to predict the effect of missense changes on protein structure and function are either unavailable or do not agree on the potential impact of this missense change (SIFT: "Deleterious"; PolyPhen-2: "Benign"; Align-GVGD: "Class C0"). ClinVar contains an entry for this variant (Variation ID: 637179). This missense change has been observed in individuals with Charcot-Marie-Tooth disease and/or clinical features of Charcot-Marie-Tooth disease (PMID: 14991359, 32010055; Invitae). This variant is not present in population databases (gnomAD no frequency). This sequence change replaces valine, which is neutral and non-polar, with alanine, which is neutral and non-polar, at codon 38 of the GJB1 protein (p.Val38Ala).

Inherited Neuropathy Consortium
Classification: Uncertain significance for Charcot-Marie-Tooth disease. Review status: no assertion criteria provided. Collection method: literature only. Allele origin: germline. Affected: yes. Not counted in ClinVar's aggregate classification.

Literature cited by the submitters: PubMed 7833935 (cited by Labcorp Genetics (formerly Invitae), Labcorp); PubMed 9354338 (cited by Labcorp Genetics (formerly Invitae), Labcorp); PubMed 12460545 (cited by Labcorp Genetics (formerly Invitae), Labcorp); PubMed 14991359 (cited by Labcorp Genetics (formerly Invitae), Labcorp and Inherited Neuropathy Consortium); PubMed 32010055 (cited by Labcorp Genetics (formerly Invitae), Labcorp).

NM_000166.6(GJB1):c.113T>C (p.Val38Ala)

Gene: GJB1 (gap junction protein beta 1; plus strand). Cytogenetic location: Xq13.1.
Variant type: single nucleotide variant.
Coding change: c.113T>C on transcript NM_000166.6 (MANE Select); coding-DNA position 113, T replaced by C.
Protein change: p.Val38Ala; replaces valine 38 with alanine.
Molecular consequence: missense variant.
Genome position (GRCh38, 1-based): chrX:71,223,820, T>C. VCF-style: chrX-71223820-T-C. GRCh37 (hg19) VCF-style: chrX-70443670-T-C.
Other names: c.113T>C, p.Val38Ala (NM_001097642.3); short protein forms V38A.
Identifiers: ClinVar variation 637179 (VCV000637179.6), dbSNP rs863224612, ClinGen allele CA413500975.